The following is an entry in ClinVar:

ClinVar aggregate classification (germline): Uncertain significance (1 of 4 stars; one submission).

Conditions:
Epidermolysis bullosa simplex 5B, with muscular dystrophy (EBS5B). Also called: EPIDERMOLYSIS BULLOSA SIMPLEX AND LIMB-GIRDLE MUSCULAR DYSTROPHY; Epidermolysis bullosa simplex with muscular dystrophy. Identifiers: Orphanet 257, MedGen C2931072, MONDO:0009181, OMIM 226670.
Epidermolysis bullosa simplex, Ogna type (EBS5A). Also called: Pidermolysis bullosa simplex 5A, Ogna type; EPIDERMOLYSIS BULLOSA SIMPLEX 5A, OGNA TYPE. Identifiers: Orphanet 79401, MedGen C0432317, MONDO:0007555, OMIM 131950.
Epidermolysis bullosa simplex 5C, with pyloric atresia (EBS5C). Also called: PLEC-Related Epidermolysis Bullosa with Pyloric Atresia; Epidermolysis bullosa simplex with pyloric atresia; PLEC1-Related Epidermolysis Bullosa with Pyloric Atresia. Identifiers: Orphanet 158684, MedGen C2677349, MONDO:0012807, OMIM 612138.
Autosomal recessive limb-girdle muscular dystrophy type 2Q (LGMDR17). Also called: MUSCULAR DYSTROPHY, LIMB-GIRDLE, AUTOSOMAL RECESSIVE 17. Identifiers: Orphanet 254361, MedGen C3150989, MONDO:0013390, OMIM 613723.
Epidermolysis bullosa simplex with nail dystrophy (EBS5D). Identifiers: MedGen C4225309, MONDO:0014661, OMIM 616487.

Allele frequency attached by ClinVar (database versions not stated): TOPMed below 0.00001; gnomAD 0.00001.
gnomAD v4.1: 31 of 1,602,032 alleles (0.0019%); highest among the groups gnomAD compares: Non-Finnish European, 0.0025%; no homozygotes.

Submission:

Labcorp Genetics (formerly Invitae), Labcorp
Classification: Uncertain significance for Autosomal recessive limb-girdle muscular dystrophy type 2Q; Epidermolysis bullosa simplex, Ogna type; Epidermolysis bullosa simplex with nail dystrophy; Epidermolysis bullosa simplex 5C, with pyloric atresia; Epidermolysis bullosa simplex 5B, with muscular dystrophy. Last evaluated: 2022-02-06. Review status: criteria provided, single submitter. Criteria: Invitae Variant Classification Sherloc (09022015). Collection method: clinical testing. Allele origin: germline.
Comment: This sequence change falls in intron 13 of the PLEC gene. It does not directly change the encoded amino acid sequence of the PLEC protein. It affects a nucleotide within the consensus splice site. This variant is not present in population databases (gnomAD no frequency). This variant has not been reported in the literature in individuals affected with PLEC-related conditions. Variants that disrupt the consensus splice site are a relatively common cause of aberrant splicing (PMID: 17576681, 9536098). Algorithms developed to predict the effect of sequence changes on RNA splicing suggest that this variant is not likely to affect RNA splicing. In summary, the available evidence is currently insufficient to determine the role of this variant in disease. Therefore, it has been classified as a Variant of Uncertain Significance.

Literature cited by the submitters: PubMed 17576681; PubMed 9536098.

NM_201384.3(PLEC):c.1263+6G>C

Genes: PLEC (plectin; minus strand), LOC130001334 (ATAC-STARR-seq lymphoblastoid silent region 19628; plus strand). Cytogenetic location: 8q24.3.
Variant type: single nucleotide variant.
Coding change: c.1263+6G>C on transcript NM_201384.3 (MANE Select); 6 bases into the intron after coding-DNA position 1263, G replaced by C.
Molecular consequence: intron variant.
Genome position (GRCh38, 1-based): chr8:143,933,992, C>G on the plus strand (G>C on the coding strand, the complement: PLEC is on the minus strand). VCF-style: chr8-143933992-C-G. GRCh37 (hg19) VCF-style: chr8-145008160-C-G.
Other names: c.1344+6G>C (NM_000445.5); c.1221+6G>C (NM_201378.4); c.1197+6G>C (NM_201379.3); c.1674+6G>C (NM_201380.4); c.1167+6G>C (NM_201381.3); c.1263+6G>C (NM_201382.4); c.1275+6G>C (NM_201383.3).
Identifiers: ClinVar variation 2052662 (VCV002052662.4), dbSNP rs782820595, ClinGen allele CA187622748.